The following is an entry in ClinVar:

NC_000015.10:g.72647900_72648958del

Gene: HEXA (hexosaminidase subunit alpha; minus strand). Cytogenetic location: 15q24.1.
Variant type: Deletion.
Genome position: GRCh38: chr15:72,647,900-72,648,958. GRCh37 (hg19): chr15:72,940,241-72,941,299.
Identifiers: ClinVar variation 2690933 (VCV002690933.2), ClinGen allele CA2697549167.

ClinVar aggregate classification (germline): Pathogenic (1 of 4 stars; one submission).

Conditions:
Tay-Sachs disease (TSD). Also called: HEXA DEFICIENCY; GM2 gangliosidosis, type 1; Hexosaminidase alpha-subunit deficiency (variant B); Sphingolipidosis, Tay-Sachs; Hexosaminidase A Deficiency; HEXA Disorders. Identifiers: Orphanet 845, MedGen C0039373, MONDO:0010100, OMIM 272800.

Submission:

Foundation for Research in Genetics and Endocrinology, FRIGE's Institute of Human Genetics
Classification: Pathogenic for Tay-Sachs disease. Review status: criteria provided, single submitter. Criteria: ACMG Guidelines, 2015. Collection method: clinical testing. Allele origin: germline. Inheritance: Autosomal recessive inheritance. Affected: yes. Observed: 1 homozygote.
Comment: A homozygous deletion on chr15:g.(?_72647900-72648958_?) encompassing exon 2 and 3 of the HEXA gene was detected. This variant has not been reported in the 1000 genomes database. In summary, the variant has been classified as pathogenic.